The following is an entry in ClinVar:

ClinVar aggregate classification (germline): Uncertain significance (1 of 4 stars; one submission).

Submission:

Ambry Genetics
Classification: Uncertain significance. Last evaluated: 2025-07-18. Review status: criteria provided, single submitter. Criteria: Ambry Variant Classification Scheme 2023. Collection method: clinical testing. Allele origin: germline.
Comment: The p.Q933E variant (also known as c.2797C>G), located in coding exon 1 of the TET2 gene, results from a C to G substitution at nucleotide position 2797. The glutamine at codon 933 is replaced by glutamic acid, an amino acid with highly similar properties. This amino acid position is conserved. In addition, this alteration is predicted to be tolerated by in silico analysis. Based on the available evidence, the clinical significance of this variant remains unclear.

NM_001127208.3(TET2):c.2797C>G (p.Gln933Glu)

Genes: TET2 (tet methylcytosine dioxygenase 2; plus strand), TET2-AS1 (TET2 antisense RNA 1; minus strand). Cytogenetic location: 4q24.
Variant type: single nucleotide variant.
Coding change: c.2797C>G on transcript NM_001127208.3 (MANE Select); coding-DNA position 2797, C replaced by G.
Protein change: p.Gln933Glu; replaces glutamine 933 with glutamic acid.
Molecular consequence: missense variant.
Genome position (GRCh38, 1-based): chr4:105,236,739, C>G. VCF-style: chr4-105236739-C-G. GRCh37 (hg19) VCF-style: chr4-106157896-C-G.
Other names: c.2797C>G, p.Gln933Glu (NM_017628.4); short protein forms Q933E.
Identifiers: ClinVar variation 4182978 (VCV004182978.1).